The following is an entry in ClinVar:

ClinVar aggregate classification (germline): Uncertain significance (1 of 4 stars; one submission).

Conditions:
Neutral lipid storage myopathy (NLSDM). Also called: NEUTRAL LIPID STORAGE DISEASE WITHOUT ICHTHYOSIS. Identifiers: Orphanet 98908, MedGen C1853136, MONDO:0012545, OMIM 610717.

Submission:

Labcorp Genetics (formerly Invitae), Labcorp
Classification: Uncertain significance for Neutral lipid storage myopathy. Last evaluated: 2022-02-18. Review status: criteria provided, single submitter. Criteria: Invitae Variant Classification Sherloc (09022015). Collection method: clinical testing. Allele origin: germline.
Comment: This sequence change replaces valine, which is neutral and non-polar, with leucine, which is neutral and non-polar, at codon 150 of the PNPLA2 protein (p.Val150Leu). This variant is not present in population databases (gnomAD no frequency). This variant has not been reported in the literature in individuals affected with PNPLA2-related conditions. Algorithms developed to predict the effect of missense changes on protein structure and function are either unavailable or do not agree on the potential impact of this missense change (SIFT: "Tolerated"; PolyPhen-2: "Possibly Damaging"; Align-GVGD: "Class C0"). In summary, the available evidence is currently insufficient to determine the role of this variant in disease. Therefore, it has been classified as a Variant of Uncertain Significance.

NM_020376.4(PNPLA2):c.448G>C (p.Val150Leu)

Gene: PNPLA2 (patatin like domain 2, triacylglycerol lipase; plus strand). Cytogenetic location: 11p15.5.
Variant type: single nucleotide variant.
Coding change: c.448G>C on transcript NM_020376.4 (MANE Select); coding-DNA position 448, G replaced by C.
Protein change: p.Val150Leu; replaces valine 150 with leucine.
Molecular consequence: missense variant.
Genome position (GRCh38, 1-based): chr11:821,985, G>C. VCF-style: chr11-821985-G-C. GRCh37 (hg19) VCF-style: chr11-821985-G-C.
Other names: short protein forms V150L.
Identifiers: ClinVar variation 1958664 (VCV001958664.5), dbSNP rs745927123, ClinGen allele CA378978823.